The following is an entry in ClinVar:

NC_012920.1(MT-CYB):m.15614G>A

Gene: MT-CYB (mitochondrially encoded cytochrome b; plus strand).
Variant type: single nucleotide variant.
Genome position: chrM-15614-G-A.
Identifiers: ClinVar variation 693913 (VCV000693913.1), dbSNP rs1603225376, ClinGen allele CA913174363.

ClinVar aggregate classification (germline): Uncertain significance (1 of 4 stars; one submission).

Conditions:
Leigh syndrome (NULS). Also called: Leigh's necrotizing encephalopathy; Leigh's disease; Leigh's syndrome; LEIGH SYNDROME, NUCLEAR; Leigh Syndrome (mtDNA deletion); Leigh Disease. Identifiers: Orphanet 506, MedGen C2931891, MONDO:0009723, OMIM 256000.

Submission:

Wong Mito Lab, Molecular and Human Genetics, Baylor College of Medicine
Classification: Uncertain significance for Leigh syndrome. Last evaluated: 2019-10-17. Review status: criteria provided, single submitter. Criteria: Modified ACMG Guidelines (Unpublished). Collection method: clinical testing. Allele origin: germline.
Comment: The NC_012920.1:m.15614G>A (YP_003024038.1:p.Gly290Ser) variant in MTCYB gene is interpretated to be a Uncertain Significance variant based on the modified ACMG guidelines (unpublished). This variant meets the following evidence codes: PP6, PP7